The following is an entry in ClinVar:

NM_005198.5(CHKB):c.991C>G (p.Gln331Glu)

Genes: CHKB (choline kinase beta; minus strand), CHKB-CPT1B (CHKB-CPT1B readthrough (NMD candidate); minus strand). Cytogenetic location: 22q13.33.
Variant type: single nucleotide variant.
Coding change: c.991C>G on transcript NM_005198.5 (MANE Select); coding-DNA position 991, C replaced by G.
Protein change: p.Gln331Glu; replaces glutamine 331 with glutamic acid.
Molecular consequence: missense variant. On other transcripts: non-coding transcript variant (1).
Genome position (GRCh38, 1-based): chr22:50,579,767, G>C on the plus strand (C>G on the coding strand, the complement: CHKB is on the minus strand). VCF-style: chr22-50579767-G-C. GRCh37 (hg19) VCF-style: chr22-51018196-G-C.
Other names: short protein forms Q331E.
Identifiers: ClinVar variation 850471 (VCV000850471.11), dbSNP rs747586997, ClinGen allele CA10323549.

ClinVar aggregate classification (germline): Uncertain significance (1 of 4 stars; one submission).

Conditions:
Megaconial type congenital muscular dystrophy (MDCMC). Also called: CHKB-Related Muscle Diseases; CHKB-Related Muscular Dystrophy; MUSCULAR DYSTROPHY, CONGENITAL, WITH MITOCHONDRIAL STRUCTURAL ABNORMALITIES. Identifiers: Orphanet 280671, MedGen C1865233, MONDO:0011246, OMIM 602541.

Allele frequency attached by ClinVar (database versions not stated): TOPMed below 0.00001; ExAC 0.00001; gnomAD exomes 0.00001.
gnomAD v4.1: 6 of 1,613,762 alleles (0.00037%); highest among the groups gnomAD compares: Non-Finnish European, 0.00051%; no homozygotes.

Submission:

Labcorp Genetics (formerly Invitae), Labcorp
Classification: Uncertain significance for Megaconial type congenital muscular dystrophy. Last evaluated: 2022-07-12. Review status: criteria provided, single submitter. Criteria: Invitae Variant Classification Sherloc (09022015). Collection method: clinical testing. Allele origin: germline.
Comment: This sequence change replaces glutamine, which is neutral and polar, with glutamic acid, which is acidic and polar, at codon 331 of the CHKB protein (p.Gln331Glu). This variant is present in population databases (rs747586997, gnomAD 0.0009%). This variant has not been reported in the literature in individuals affected with CHKB-related conditions. ClinVar contains an entry for this variant (Variation ID: 850471). Algorithms developed to predict the effect of missense changes on protein structure and function (SIFT, PolyPhen-2, Align-GVGD) all suggest that this variant is likely to be tolerated. In summary, the available evidence is currently insufficient to determine the role of this variant in disease. Therefore, it has been classified as a Variant of Uncertain Significance.